The following is an entry in ClinVar:

NM_006892.4(DNMT3B):c.223G>A (p.Asp75Asn)

Gene: DNMT3B (DNA methyltransferase 3 beta; plus strand). Cytogenetic location: 20q11.21.
Variant type: single nucleotide variant.
Coding change: c.223G>A on transcript NM_006892.4 (MANE Select); coding-DNA position 223, G replaced by A.
Protein change: p.Asp75Asn; replaces aspartic acid 75 with asparagine.
Molecular consequence: missense variant. On other transcripts: intron variant (1).
Genome position (GRCh38, 1-based): chr20:32,784,776, G>A. VCF-style: chr20-32784776-G-A. GRCh37 (hg19) VCF-style: chr20-31372582-G-A.
Other names: c.223G>A, p.Asp75Asn (NM_001424351.1, NM_001424352.1, NM_001424353.1 and 8 more transcripts); c.259G>A, p.Asp87Asn (NM_001424359.1, NM_001424360.1, NM_175850.3); c.205-2454G>A (NM_001207056.2); short protein forms D87N, D75N.
Identifiers: ClinVar variation 3728214 (VCV003728214.4).

ClinVar aggregate classification (germline): Uncertain significance. Review status: criteria provided, multiple submitters, no conflicts (2 of 4 stars). 2 submissions from 2 submitters: Uncertain significance (2). Last evaluated 2025-08-10.

Conditions:
Centromeric instability of chromosomes 1,9 and 16 and immunodeficiency (ICF1). Also called: CENTROMERIC INSTABILITY, IMMUNODEFICIENCY SYNDROME; IMMUNE DEFICIENCY, VARIABLE, WITH CENTROMERIC INSTABILITY OF CHROMOSOMES 1, 9, AND 16; IMMUNODEFICIENCY SYNDROME, VARIABLE; Immunodeficiency-centromeric instability-facial anomalies. Identifiers: Orphanet 2268, MedGen C0398788, MONDO:0000133.
Immunodeficiency-centromeric instability-facial anomalies syndrome 1 (ICF1). Identifiers: Orphanet 2268, MedGen C4551557, MONDO:0009454, OMIM 242860.
Facioscapulohumeral muscular dystrophy 4, digenic. Identifiers: MedGen C5561960, MONDO:0030355, OMIM 619478.

Submissions (2):

Labcorp Genetics (formerly Invitae), Labcorp
Classification: Uncertain significance for Centromeric instability of chromosomes 1,9 and 16 and immunodeficiency. Last evaluated: 2025-08-10. Review status: criteria provided, single submitter. Criteria: Invitae Variant Classification Sherloc (09022015). Collection method: clinical testing. Allele origin: germline.
Comment: This sequence change replaces aspartic acid, which is acidic and polar, with asparagine, which is neutral and polar, at codon 75 of the DNMT3B protein (p.Asp75Asn). This variant is present in population databases (rs751017290, gnomAD 0.02%). This variant has not been reported in the literature in individuals affected with DNMT3B-related conditions. ClinVar contains an entry for this variant (Variation ID: 3728214). Invitae Evidence Modeling of protein sequence and biophysical properties (such as structural, functional, and spatial information, amino acid conservation, physicochemical variation, residue mobility, and thermodynamic stability) indicates that this missense variant is not expected to disrupt DNMT3B protein function with a negative predictive value of 95%. In summary, the available evidence is currently insufficient to determine the role of this variant in disease. Therefore, it has been classified as a Variant of Uncertain Significance.

Juno Genomics, Hangzhou Juno Genomics, Inc
Classification: Uncertain significance for Facioscapulohumeral muscular dystrophy 4, digenic; Immunodeficiency-centromeric instability-facial anomalies syndrome 1. Review status: criteria provided, single submitter. Criteria: ACMG Guidelines, 2015. Collection method: clinical testing. Allele origin: germline.
Comment: Absent from controls (or at extremely low frequency if recessive) in Genome Aggregation Database.;Missense variant in a gene that has a low rate of benign missense variation.